The following is an entry in ClinVar:

ClinVar aggregate classification (germline): Uncertain significance (1 of 4 stars; one submission).

Conditions:
Hereditary cancer-predisposing syndrome. Also called: Neoplastic Syndromes, Hereditary; Tumor predisposition; Hereditary Cancer Syndrome; Hereditary neoplastic syndrome. Identifiers: Orphanet 140162, MedGen C0027672, MeSH D009386, MONDO:0015356.

Allele frequency attached by ClinVar (database versions not stated): gnomAD exomes below 0.00001; TOPMed below 0.00001; gnomAD 0.00001.
gnomAD v4.1: 2 of 1,612,092 alleles (0.00012%); highest among the groups gnomAD compares: Non-Finnish European, 0.00017%; no homozygotes.

Submission:

Ambry Genetics
Classification: Uncertain significance for Hereditary cancer-predisposing syndrome. Last evaluated: 2025-08-15. Review status: criteria provided, single submitter. Criteria: Ambry Variant Classification Scheme 2023. Collection method: clinical testing. Allele origin: germline.
Comment: The p.R528W variant (also known as c.1582C>T), located in coding exon 8 of the SMARCA4 gene, results from a C to T substitution at nucleotide position 1582. The arginine at codon 528 is replaced by tryptophan, an amino acid with dissimilar properties. This amino acid position is highly conserved in available vertebrate species. In addition, the in silico prediction for this alteration is inconclusive. Missense and in-frame variants in SMARCA4 are known to cause neurodevelopmental disorders; however, such associations with rhabdoid tumor predisposition syndrome including small cell carcinoma of the ovary-hypercalcemic type (SCCOHT) are exceedingly rare (Kosho T et al. Am J Med Genet C Semin Med Genet. 2014 Sep;166C(3):262-75; Jelinic P et al. Nat Genet. 2014 May;46(5):424-6). Based on the supporting evidence, the association of this alteration with Coffin-Siris syndrome is unknown; however, the association of this alteration with rhabdoid tumor predisposition syndrome is unlikely.

NM_003072.5(SMARCA4):c.1582C>T (p.Arg528Trp)

Gene: SMARCA4 (SWI/SNF related BAF chromatin remodeling complex subunit ATPase 4; plus strand). Cytogenetic location: 19p13.2.
Variant type: single nucleotide variant.
Coding change: c.1582C>T on transcript NM_003072.5 (MANE Select); coding-DNA position 1582, C replaced by T.
Protein change: p.Arg528Trp; replaces arginine 528 with tryptophan.
Molecular consequence: missense variant. On other transcripts: non-coding transcript variant (1).
Genome position (GRCh38, 1-based): chr19:10,994,990, C>T. VCF-style: chr19-10994990-C-T. GRCh37 (hg19) VCF-style: chr19-11105666-C-T.
Other names: c.1582C>T, p.Arg528Trp (NM_001128844.3, NM_001128845.2, NM_001128846.2 and 6 more transcripts); short protein forms R528W.
Identifiers: ClinVar variation 1775737 (VCV001775737.3), dbSNP rs1414888106, ClinGen allele CA404062320.